The following is an entry in ClinVar:

ClinVar aggregate classification (germline): Pathogenic. Review status: criteria provided, single submitter (1 of 4 stars). 2 submissions from 2 submitters: Pathogenic (1). 1 of the submissions does not count toward it. Last evaluated 2025-03-13.

Submissions (2):

GeneDx
Classification: Pathogenic. Last evaluated: 2025-03-13. Review status: criteria provided, single submitter. Criteria: GeneDx Variant Classification Process June 2021. Collection method: clinical testing. Allele origin: germline. Affected: yes.
Comment: Canonical splice site variant predicted to result in a null allele in a gene for which loss of function is a known mechanism of disease; Not observed at significant frequency in large population cohorts (gnomAD); This variant is associated with the following publications: (PMID: 25525159, 30361419, 27279976, 18344424, 20854374, 16985174)

Academic Unit of Haematology, University of Sheffield
No classification provided. Review status: no classification provided. Collection method: not provided. Allele origin: not provided. Not counted in ClinVar's aggregate classification.

NM_000552.5(VWF):c.1109+2T>C

Gene: VWF (von Willebrand factor; minus strand). Cytogenetic location: 12p13.31.
Variant type: single nucleotide variant.
Coding change: c.1109+2T>C on transcript NM_000552.5 (MANE Select); the canonical splice donor site of the intron after coding-DNA position 1109, T replaced by C.
Molecular consequence: splice donor variant.
Genome position (GRCh38, 1-based): chr12:6,072,329, A>G on the plus strand (T>C on the coding strand, the complement: VWF is on the minus strand). VCF-style: chr12-6072329-A-G. GRCh37 (hg19) VCF-style: chr12-6181495-A-G.
Identifiers: ClinVar variation 100173 (VCV000100173.2), dbSNP rs61754004, ClinGen allele CA228259.